The following is an entry in ClinVar:

ClinVar aggregate classification (germline): Uncertain significance (1 of 4 stars; one submission).

Conditions:
Danon disease. Also called: PSEUDOGLYCOGENOSIS II; GSD IIb; LYSOSOMAL GLYCOGEN STORAGE DISEASE WITHOUT ACID MALTASE DEFICIENCY; Glycogen Storage Disease Type IIb; ANTOPOL DISEASE. Identifiers: Orphanet 34587, MedGen C0878677, MONDO:0010281, OMIM 300257.

Allele frequency attached by ClinVar (database versions not stated): gnomAD exomes 0.00001; ExAC 0.00002; gnomAD 0.00012 and 0.00013; TOPMed 0.00018.
gnomAD v4.1: 56 of 1,206,685 alleles (0.0046%); highest among the groups gnomAD compares: African/African-American, 0.016%; 1 homozygote.

Submission:

Labcorp Genetics (formerly Invitae), Labcorp
Classification: Uncertain significance for Danon disease. Last evaluated: 2016-09-22. Review status: criteria provided, single submitter. Criteria: Invitae Variant Classification Sherloc (09022015). Collection method: clinical testing. Allele origin: germline.
Comment: This sequence change replaces valine with isoleucine at codon 397 of the LAMP2 protein (p.Val397Ile). The valine residue is weakly conserved and there is a small physicochemical difference between valine and isoleucine. The LAMP2 gene has multiple clinically relevant isoforms. The p.Val397Ile variant occurs in alternate transcript NM_013995.2, which corresponds to position c.1093+2532G>A in NM_002294.2 , the primary transcript listed in the Methods. In summary, this variant is a rare missense change that is not predicted to affect protein function. There is no indication that it causes disease, but the available evidence is currently insufficient to prove that conclusively. Therefore, it has been classified as a Variant of Uncertain Significance. General algorithms developed to predict the effect of missense changes on protein structure and function (SIFT, PolyPhen-2, Align-GVGD), suggest that this missense change is likely to be tolerated. However, these predictions have not been confirmed by published functional studies. This variant is present in population databases (rs730880488, ExAC 0.02%) but has not been reported in the literature in individuals with a LAMP2-related disease.

NM_002294.3(LAMP2):c.1093+2532G>A

Gene: LAMP2 (lysosome associated membrane protein 2; minus strand). Cytogenetic location: Xq24.
Variant type: single nucleotide variant.
Coding change: c.1093+2532G>A on transcript NM_002294.3 (MANE Select); 2532 bases into the intron after coding-DNA position 1093, G replaced by A.
Molecular consequence: intron variant. On other transcripts: missense variant (1).
Genome position (GRCh38, 1-based): chrX:120,439,198, C>T on the plus strand (G>A on the coding strand, the complement: LAMP2 is on the minus strand). VCF-style: chrX-120439198-C-T. GRCh37 (hg19) VCF-style: chrX-119573053-C-T.
Other names: c.1189G>A, p.Val397Ile (NM_013995.2); c.1093+2532G>A (NM_001122606.1); short protein forms V397I.
Identifiers: ClinVar variation 180881 (VCV000180881.7), dbSNP rs730880488, ClinGen allele CA333694.